The following is an entry in ClinVar:

NM_014175.4(MRPL15):c.201del (p.Phe67fs)

Gene: MRPL15 (mitochondrial ribosomal protein L15; plus strand). Cytogenetic location: 8q11.23.
Variant type: Deletion.
Coding change: c.201del on transcript NM_014175.4 (MANE Select); coding-DNA position 201, one base deleted (T; older notation c.201delT).
Protein change: p.Phe67fs; shifts the reading frame from phenylalanine 67.
Molecular consequence: frameshift variant.
Genome position (GRCh38, 1-based): chr8:54,136,603, T deleted; the last of 3 consecutive T bases (chr8:54,136,601-54,136,603); deleting any one gives the same sequence. VCF-style (leftmost placement, unchanged base first): chr8-54136600-CT-C. GRCh37 (hg19) VCF-style: chr8-55049160-CT-C.
Other names: short protein forms F67fs.
Identifiers: ClinVar variation 1299115 (VCV001299115.35), dbSNP rs534881146, ClinGen allele CA4750615.
Genomic context (GRCh38, chr8:54,136,600, plus strand): 5'-TAGAAAATGTGGCAGAGGCCATAAAGGAGAAAGGCAAAGAGGAACCCGGCCCCGCTTGGG[CT>C]TTGAGGGAGGCCAGACTCCATTTTACATCCGAATCCCAAAATACGGGTTTAACGAAGGAC-3'

ClinVar aggregate classification (germline): Likely benign (1 of 4 stars; one submission).

Submission:

CeGaT Center for Human Genetics Tuebingen
Classification: Likely benign. Last evaluated: 2026-03-01. Review status: criteria provided, single submitter. Criteria: CeGaT Center For Human Genetics Tuebingen Variant Classification Criteria Version 2. Collection method: clinical testing. Allele origin: germline. Affected: yes. Observed: 1 variant allele.
Comment: MRPL15: BS2